The following is an entry in ClinVar:

ClinVar aggregate classification (germline): Uncertain significance (1 of 4 stars; one submission).

Submission:

Labcorp Genetics (formerly Invitae), Labcorp
Classification: Uncertain significance. Last evaluated: 2021-06-11. Review status: criteria provided, single submitter. Criteria: Invitae Variant Classification Sherloc (09022015). Collection method: clinical testing. Allele origin: germline.
Comment: This variant, c.498_500del, results in the deletion of 1 amino acid(s) of the FH protein (p.Gly167del), but otherwise preserves the integrity of the reading frame. In summary, the available evidence is currently insufficient to determine the role of this variant in disease. Therefore, it has been classified as a Variant of Uncertain Significance. Algorithms developed to predict the effect of sequence changes on RNA splicing suggest that this variant may create or strengthen a splice site, but this prediction has not been confirmed by published transcriptional studies. Experimental studies and prediction algorithms are not available or were not evaluated, and the functional significance of this variant is currently unknown. This variant has not been reported in the literature in individuals with FH-related conditions. This variant is not present in population databases (ExAC no frequency).

NM_000143.4(FH):c.495AGG[1] (p.Gly167del)

Gene: FH (fumarate hydratase; minus strand). Cytogenetic location: 1q43.
Variant type: Microsatellite.
Coding change: c.495AGG[1] on transcript NM_000143.4 (MANE Select); one copy of the 3-base unit AGG starting at c.495; the reference has two copies in a row; one copy, 3 bases deleted.
Protein change: p.Gly167del; deletes glycine 167.
Molecular consequence: inframe deletion.
Genome position (GRCh38, 1-based): chr1:241,512,022-241,512,024, CCT deleted on the plus strand (AGG on the coding strand, the reverse complement: FH is on the minus strand); deleting any 3 consecutive bases within chr1:241,512,022-241,512,027 gives the same sequence; the position shown is the placement nearest the transcript's 3' end. VCF-style (leftmost placement, unchanged base first): chr1-241512021-ACCT-A. GRCh37 (hg19) VCF-style: chr1-241675321-ACCT-A.
Other names: short protein forms G167del.
Identifiers: ClinVar variation 1012039 (VCV001012039.9), dbSNP rs1660097679, ClinGen allele CA1229582041.